The following is an entry in ClinVar:

ClinVar aggregate classification (germline): Likely pathogenic (1 of 4 stars; one submission).

Conditions:
Hyper-IgE recurrent infection syndrome 1, autosomal dominant. Also called: Job's Syndrome; STAT3 Hyper IgE Syndrome; HYPER-IgE SYNDROME 1, AUTOSOMAL DOMINANT, WITH RECURRENT INFECTIONS; JOB SYNDROME; Hyper-IgE recurrent infection syndrome 1. Identifiers: Orphanet 2314, MedGen C2936739, MONDO:0007818, OMIM 147060.

Submission:

Women's Health and Genetics/Laboratory Corporation of America, LabCorp
Classification: Likely pathogenic for Hyper IgE Syndrome. Last evaluated: 2011-08-18. Review status: criteria provided, single submitter. Criteria: LabCorp Variant Classification Summary - May 2015. Collection method: curation, clinical testing. Allele origin: germline. Inheritance: autosomal dominant. Affected: yes. Observed: 1 variant allele.
ClinVar note: Converted during submission from likely pathogenic to Likely pathogenic.

NM_139276.3(STAT3):c.2134T>C (p.Cys712Arg)

Gene: STAT3 (signal transducer and activator of transcription 3; minus strand). Cytogenetic location: 17q21.2.
Variant type: single nucleotide variant.
Coding change: c.2134T>C on transcript NM_139276.3 (MANE Select); coding-DNA position 2134, T replaced by C.
Protein change: p.Cys712Arg; replaces cysteine 712 with arginine.
Molecular consequence: missense variant. On other transcripts: intron variant (1).
Genome position (GRCh38, 1-based): chr17:42,317,192, A>G on the plus strand (T>C on the coding strand, the complement: STAT3 is on the minus strand). VCF-style: chr17-42317192-A-G. GRCh37 (hg19) VCF-style: chr17-40469210-A-G.
Other names: c.2134T>C, p.Cys712Arg (NM_001369512.1, NM_001369513.1, NM_001369517.1 and 3 more transcripts); c.2131T>C, p.Cys711Arg (NM_001369514.1, NM_001369516.1, NM_001369519.1 and 2 more transcripts); c.2050T>C, p.Cys684Arg (NM_001384984.1); c.2056T>C, p.Cys686Arg (NM_001384985.1); c.2146T>C, p.Cys716Arg (NM_001384986.1); c.2113T>C, p.Cys705Arg (NM_001384987.1); c.2035T>C, p.Cys679Arg (NM_001384989.1); c.2149T>C, p.Cys717Arg (NM_001384990.1); and 3 more; short protein forms C712R, C711R, C679R, C684R, C686R, C692R, C703R, C705R.
Identifiers: ClinVar variation 36791 (VCV000036791.3), dbSNP rs193922722, ClinGen allele CA260548.